The following is an entry in ClinVar:

ClinVar aggregate classification (germline): Uncertain significance (1 of 4 stars; one submission).

Conditions:
Distal myopathy with posterior leg and anterior hand involvement. Also called: WILLIAMS DISTAL MYOPATHY. Identifiers: Orphanet 63273, MedGen C3279722, MONDO:0013550, OMIM 614065.
Myofibrillar myopathy 5. Also called: FILAMINOPATHY, AUTOSOMAL DOMINANT; Filaminopathy (type). Identifiers: Orphanet 171445, MedGen C1836050, MONDO:0012289, OMIM 609524.
Hypertrophic cardiomyopathy 26. Also called: Cardiomyopathy, familial hypertrophic, 26. Identifiers: Orphanet 75249, MedGen C4310749, MONDO:0014883, OMIM 617047.

Submission:

Labcorp Genetics (formerly Invitae), Labcorp
Classification: Uncertain significance for Distal myopathy with posterior leg and anterior hand involvement; Myofibrillar myopathy 5; Hypertrophic cardiomyopathy 26. Last evaluated: 2018-03-07. Review status: criteria provided, single submitter. Criteria: Invitae Variant Classification Sherloc (09022015). Collection method: clinical testing. Allele origin: germline.
Comment: In summary, the available evidence is currently insufficient to determine the role of this variant in disease. Therefore, it has been classified as a Variant of Uncertain Significance. Algorithms developed to predict the effect of missense changes on protein structure and function do not agree on the potential impact of this missense change (SIFT: "Deleterious"; PolyPhen-2: "Probably Damaging"; Align-GVGD: "Class C0"). This variant has not been reported in the literature in individuals with FLNC-related disease. This variant is not present in population databases (ExAC no frequency). This sequence change replaces glycine with aspartic acid at codon 698 of the FLNC protein (p.Gly698Asp). The glycine residue is highly conserved and there is a moderate physicochemical difference between glycine and aspartic acid.

NM_001458.5(FLNC):c.2093G>A (p.Gly698Asp)

Gene: FLNC (filamin C; plus strand). Cytogenetic location: 7q32.1.
Variant type: single nucleotide variant.
Coding change: c.2093G>A on transcript NM_001458.5 (MANE Select); coding-DNA position 2093, G replaced by A.
Protein change: p.Gly698Asp; replaces glycine 698 with aspartic acid.
Molecular consequence: missense variant.
Genome position (GRCh38, 1-based): chr7:128,841,539, G>A. VCF-style: chr7-128841539-G-A. GRCh37 (hg19) VCF-style: chr7-128481593-G-A.
Other names: c.2093G>A, p.Gly698Asp (NM_001127487.2); short protein forms G698D.
Identifiers: ClinVar variation 567307 (VCV000567307.9), dbSNP rs1562994518, ClinGen allele CA369228135.